The following is an entry in ClinVar:

NM_001394062.1(MACF1):c.14692C>T (p.Leu4898Phe)

Genes: MACF1 (microtubule actin crosslinking factor 1; plus strand), LOC114803468 (MACF1 eExon liver enhancer; plus strand). Cytogenetic location: 1p34.3.
Variant type: single nucleotide variant.
Coding change: c.14692C>T on transcript NM_001394062.1 (MANE Select); coding-DNA position 14692, C replaced by T.
Protein change: p.Leu4898Phe; replaces leucine 4898 with phenylalanine.
Molecular consequence: missense variant.
Genome position (GRCh38, 1-based): chr1:39,387,534, C>T. VCF-style: chr1-39387534-C-T. GRCh37 (hg19) VCF-style: chr1-39853206-C-T.
Other names: c.8506C>T, p.Leu2836Phe (NM_012090.5); short protein forms L2836F, L4898F.
Identifiers: ClinVar variation 4881567 (VCV004881567.2).

ClinVar aggregate classification (germline): Uncertain significance (1 of 4 stars; one submission).

gnomAD v4.1: 1 of 1,614,100 alleles (0.000062%); no homozygotes.

Submission:

Dasa
Classification: Uncertain significance. Last evaluated: 2024-11-28. Review status: criteria provided, single submitter. Criteria: DASA Assertion Criteria. Collection method: clinical testing. Allele origin: germline.
Comment: NM_001394062.1(MACF1):c.14692C>T (p.Leu4898Phe) is a missense variant that results in the substitution of leucine with phenylalanine. This variant is rare in population databases. The currently available literature and clinical evidence are not sufficient to establish a definitive association between this variant and the reported condition. Therefore, this variant is classified as a variant of uncertain significance.